The following is an entry in ClinVar:

ClinVar aggregate classification (germline): Conflicting classifications of pathogenicity. Review status: criteria provided, conflicting classifications (1 of 4 stars). 5 submissions from 5 submitters: Uncertain significance (3); Likely benign (1). 1 of the submissions does not count toward it. Last evaluated 2025-09-24.

Conditions:
Becker muscular dystrophy (BMD). Also called: Becker Muscular Dystrophy (BMD); MUSCULAR DYSTROPHY, PSEUDOHYPERTROPHIC PROGRESSIVE, BECKER TYPE. Identifiers: Orphanet 98895, MedGen C0917713, MONDO:0010311, OMIM 300376.
Duchenne muscular dystrophy (DMD). Also called: Duchenne Muscular Dystrophy (DMD); MUSCULAR DYSTROPHY, PSEUDOHYPERTROPHIC PROGRESSIVE, DUCHENNE TYPE. Identifiers: Orphanet 98896, MedGen C0013264, MONDO:0010679, OMIM 310200.
Cardiomyopathy (CMYO). Also called: Cardiomyopathies. Identifiers: Orphanet 167848, MedGen C0878544, MONDO:0004994, HP:0001638. Inheritance: Various modes of inheritance.
Dystrophin deficiency.
Dilated cardiomyopathy 3B (CMD3B). Also called: CMD3B: DMD-Related Dilated Cardiomyopathy; CARDIOMYOPATHY, DILATED, X-LINKED; DMD-Associated Dilated Cardiomyopathy. Identifiers: Orphanet 154, MedGen C3668940, MONDO:0010542, OMIM 302045.
Cardiovascular phenotype. Identifiers: MedGen CN230736.

Allele frequency attached by ClinVar (database versions not stated): gnomAD exomes 0.00001 and 0.00008; TOPMed 0.00004; gnomAD 0.00005 and 0.00006; ExAC 0.00008.
gnomAD v4.1: 21 of 1,206,958 alleles (0.0017%); highest among the groups gnomAD compares: Admixed American, 0.042%; no homozygotes.

Submissions (5):

Labcorp Genetics (formerly Invitae), Labcorp
Classification: Likely benign for Duchenne muscular dystrophy. Last evaluated: 2025-09-24. Review status: criteria provided, single submitter. Criteria: Invitae Variant Classification Sherloc (09022015). Collection method: clinical testing. Allele origin: germline.

Ambry Genetics
Classification: Uncertain significance for Cardiovascular phenotype. Last evaluated: 2023-01-27. Review status: criteria provided, single submitter. Criteria: Ambry General Variant Classification Scheme_2022. Collection method: clinical testing. Allele origin: germline.
Comment: The p.L2800S variant (also known as c.8399T>C), located in coding exon 57 of the DMD gene, results from a T to C substitution at nucleotide position 8399. The leucine at codon 2800 is replaced by serine, an amino acid with dissimilar properties. Based on data from gnomAD, the C allele has an overall frequency of <0.01% (14/173249) total alleles studied, with 1 hemizygote observed. The highest observed frequency was 0.05% (14/26643) of Latino alleles. This amino acid position is highly conserved in available vertebrate species. In addition, this alteration is predicted to be deleterious by in silico analysis. Since supporting evidence is limited at this time, the clinical significance of this alteration remains unclear.

Revvity Omics, Revvity
Classification: Uncertain significance. Last evaluated: 2022-09-27. Review status: criteria provided, single submitter. Criteria: ACMG Guidelines, 2015. Collection method: clinical testing. Allele origin: germline.

Fulgent Genetics
Classification: Uncertain significance for Becker muscular dystrophy; Dilated cardiomyopathy 3B; Duchenne muscular dystrophy. Last evaluated: 2022-03-07. Review status: criteria provided, single submitter. Criteria: ACMG Guidelines, 2015. Collection method: clinical testing. Allele origin: unknown.

Natera, Inc.
Classification: Uncertain significance for Becker muscular dystrophy; Cardiomyopathy; Duchenne muscular dystrophy; Dystrophin deficiency. Last evaluated: 2018-04-27. Review status: no assertion criteria provided. Collection method: clinical testing. Allele origin: germline. Not counted in ClinVar's aggregate classification.

NM_004006.3(DMD):c.8399T>C (p.Leu2800Ser)

Gene: DMD (dystrophin; minus strand). Cytogenetic location: Xp21.2.
Variant type: single nucleotide variant.
Coding change: c.8399T>C on transcript NM_004006.3 (MANE Select); coding-DNA position 8399, T replaced by C.
Protein change: p.Leu2800Ser; replaces leucine 2800 with serine.
Molecular consequence: missense variant.
Genome position (GRCh38, 1-based): chrX:31,496,936, A>G on the plus strand (T>C on the coding strand, the complement: DMD is on the minus strand). VCF-style: chrX-31496936-A-G. GRCh37 (hg19) VCF-style: chrX-31515053-A-G.
Other names: c.8375T>C, p.Leu2792Ser (NM_000109.4); c.8387T>C, p.Leu2796Ser (NM_004009.3); c.8030T>C, p.Leu2677Ser (NM_004010.3); c.4376T>C, p.Leu1459Ser (NM_004011.4); c.4367T>C, p.Leu1456Ser (NM_004012.4); c.1019T>C, p.Leu340Ser (NM_004013.3, NM_004020.4, NM_004021.3 and 2 more transcripts); c.212T>C, p.Leu71Ser (NM_004014.3); short protein forms L1459S, L2677S, L2796S, L340S, L71S, L1456S, L2792S.
Identifiers: ClinVar variation 94806 (VCV000094806.12), dbSNP rs398124071, ClinGen allele CA222513.
Genomic context (GRCh38, chrX:31,496,936, plus strand): 5'-CACACCAGAAGTTCCTGCAGAGAAAGGTGCAGACGCTTCCACTGGTCAGAACTGGCTTCC[A>G]AATGGGACCTGAAAAAGAACAGCAGCGTACCATGTCAGAATATCTAGAAGTGTAATTGAT-3'
Protein context (NP_003997.2, residues 2790-2810): RKKSLNIRSH[Leu2800Ser]EASSDQWKRL